The following is an entry in ClinVar:

NM_001371727.1(GABRB2):c.857C>T (p.Thr286Ile)

Gene: GABRB2 (gamma-aminobutyric acid type A receptor subunit beta2; minus strand). Cytogenetic location: 5q34.
Variant type: single nucleotide variant.
Coding change: c.857C>T on transcript NM_001371727.1 (MANE Select); coding-DNA position 857, C replaced by T.
Protein change: p.Thr286Ile; replaces threonine 286 with isoleucine.
Molecular consequence: missense variant.
Genome position (GRCh38, 1-based): chr5:161,331,103, G>A on the plus strand (C>T on the coding strand, the complement: GABRB2 is on the minus strand). VCF-style: chr5-161331103-G-A. GRCh37 (hg19) VCF-style: chr5-160758110-G-A.
Other names: c.857C>T, p.Thr286Ile (NM_000813.3, NM_021911.3); short protein forms T286I.
Identifiers: ClinVar variation 1342899 (VCV001342899.5), dbSNP rs1753824585, ClinGen allele CA362175470.
Genomic context (GRCh38, chr5:161,331,103, plus strand): 5'-TCAATGGCCTTCACATAGGGGATTTTAGGGAGAGTTTCCCGGAGGTGGGTGTTGATTGTG[G>A]TCATTGTGAGGACAGTTGTGATTCCTGAAAAAAAATGGGAGAGTTAGAGTAATAATGTTC-3'
Protein context (NP_001358656.1, residues 276-296): ALGITTVLTM[Thr286Ile]TINTHLRETL

ClinVar aggregate classification (germline): Likely pathogenic (1 of 4 stars; one submission).

Conditions:
Developmental and epileptic encephalopathy 92. Also called: EPILEPTIC ENCEPHALOPATHY, INFANTILE OR EARLY CHILDHOOD, 2. Identifiers: MedGen C4693362, MONDO:0020631, OMIM 617829.

Submission:

Institute of Human Genetics, University of Leipzig Medical Center
Classification: Likely pathogenic for Developmental and epileptic encephalopathy 92. Last evaluated: 2023-09-04. Review status: criteria provided, single submitter. Criteria: ACMG Guidelines, 2015. Collection method: clinical testing. Allele origin: de novo. Inheritance: Autosomal dominant inheritance. Affected: yes.
Comment: Criteria applied: PS2_MOD, PM1, PM2_SUP, PP2, PP3